The following is an entry in ClinVar:

ClinVar aggregate classification (germline): Benign. Review status: criteria provided, multiple submitters, no conflicts (2 of 4 stars). 8 submissions from 8 submitters: Benign (6). 2 of the submissions do not count toward it. Last evaluated 2026-02-04.

Conditions:
Brugada syndrome. Also called: Sudden unexpected nocturnal death syndrome; Sudden Unexplained Death Syndrome; Sudden Unexplained Nocturnal Death Syndrome (SUNDS); Sudden unexplained nocturnal death syndrome. Identifiers: Orphanet 130, MedGen C1142166, MONDO:0015263.
Cardiovascular phenotype. Identifiers: MedGen CN230736.

Allele frequency attached by ClinVar (database versions not stated): gnomAD exomes 0.15077 and 0.17942; ExAC 0.17863; gnomAD 0.20619 and 0.20722; ESP Exome Variant Server 0.20990; TOPMed 0.22339; 1000 Genomes Project 0.24241; 1000 Genomes Project 30x 0.24485.
gnomAD v4.1: 252,519 of 1,613,838 alleles (16%); highest among the groups gnomAD compares: African/African-American, 34%; 22,270 homozygotes.

Submissions (8):

Labcorp Genetics (formerly Invitae), Labcorp
Classification: Benign for Brugada syndrome. Last evaluated: 2026-02-04. Review status: criteria provided, single submitter. Criteria: Invitae Variant Classification Sherloc (09022015). Collection method: clinical testing. Allele origin: germline.

Women's Health and Genetics/Laboratory Corporation of America, LabCorp
Classification: Benign. Last evaluated: 2023-04-04. Review status: criteria provided, single submitter. Criteria: LabCorp Variant Classification Summary - May 2015. Collection method: clinical testing. Allele origin: germline.

Ambry Genetics
Classification: Benign for Cardiovascular phenotype. Last evaluated: 2018-12-03. Review status: criteria provided, single submitter. Criteria: Ambry Variant Classification Scheme 2023. Collection method: clinical testing. Allele origin: germline.

Mayo Clinic Laboratories, Mayo Clinic
Classification: Benign. Last evaluated: 2017-07-19. Review status: criteria provided, single submitter. Criteria: ACMG Guidelines, 2015. Collection method: clinical testing. Allele origin: germline. Observed: 403 variant alleles.

GeneDx
Classification: Benign. Last evaluated: 2016-09-26. Review status: criteria provided, single submitter. Criteria: GeneDx Variant Classification (06012015). Collection method: clinical testing. Allele origin: germline. Affected: yes.
Comment: This variant is considered likely benign or benign based on one or more of the following criteria: it is a conservative change, it occurs at a poorly conserved position in the protein, it is predicted to be benign by multiple in silico algorithms, and/or has population frequency not consistent with disease.

Breakthrough Genomics
Classification: Benign. Review status: criteria provided, single submitter. Criteria: ACMG Guidelines, 2015. Collection method: not provided. Allele origin: germline. Inheritance: Autosomal dominant inheritance. Affected: yes.

Clinical Genetics, Academic Medical Center
Classification: Benign. Review status: no assertion criteria provided. Collection method: clinical testing. Allele origin: germline. Affected: yes. Study: VKGL Data-share Consensus. Not counted in ClinVar's aggregate classification.

Joint Genome Diagnostic Labs from Nijmegen and Maastricht, Radboudumc and MUMC+
Classification: Benign. Review status: no assertion criteria provided. Collection method: clinical testing. Allele origin: germline. Affected: yes. Study: VKGL Data-share Consensus. Not counted in ClinVar's aggregate classification.

NM_006514.4(SCN10A):c.4323A>G (p.Lys1441=)

Gene: SCN10A (sodium voltage-gated channel alpha subunit 10; minus strand). Cytogenetic location: 3p22.2.
Variant type: single nucleotide variant.
Coding change: c.4323A>G on transcript NM_006514.4 (MANE Select); coding-DNA position 4323, A replaced by G.
Protein change: p.Lys1441=; no amino-acid change (lysine 1441 retained).
Molecular consequence: synonymous variant.
Genome position (GRCh38, 1-based): chr3:38,707,342, T>C on the plus strand (A>G on the coding strand, the complement: SCN10A is on the minus strand). VCF-style: chr3-38707342-T-C. GRCh37 (hg19) VCF-style: chr3-38748833-T-C.
Other names: p.Lys1441=; c.4323A>G (NM_006514.3); c.4320A>G, p.Lys1440= (NM_001293306.2); c.4029A>G, p.Lys1343= (NM_001293307.2).
Identifiers: ClinVar variation 380868 (VCV000380868.17), dbSNP rs6790627, ClinGen allele CA2319934.